The following is an entry in ClinVar:

NM_006904.7(PRKDC):c.647A>G (p.Lys216Arg)

Gene: PRKDC (protein kinase, DNA-activated, catalytic subunit; minus strand). Cytogenetic location: 8q11.21.
Variant type: single nucleotide variant.
Coding change: c.647A>G on transcript NM_006904.7 (MANE Select); coding-DNA position 647, A replaced by G.
Protein change: p.Lys216Arg; replaces lysine 216 with arginine.
Molecular consequence: missense variant.
Genome position (GRCh38, 1-based): chr8:47,953,694, T>C on the plus strand (A>G on the coding strand, the complement: PRKDC is on the minus strand). VCF-style: chr8-47953694-T-C. GRCh37 (hg19) VCF-style: chr8-48866254-T-C.
Other names: c.647A>G, p.Lys216Arg (NM_001081640.2); short protein forms K216R.
Identifiers: ClinVar variation 1753740 (VCV001753740.2), dbSNP rs2551881747, ClinGen allele CA371138541.

ClinVar aggregate classification (germline): Uncertain significance (1 of 4 stars; one submission).

Submission:

Ambry Genetics
Classification: Uncertain significance. Last evaluated: 2022-05-21. Review status: criteria provided, single submitter. Criteria: Ambry Variant Classification Scheme 2023. Collection method: clinical testing. Allele origin: germline.
Comment: The p.K216R variant (also known as c.647A>G), located in coding exon 7 of the PRKDC gene, results from an A to G substitution at nucleotide position 647. The lysine at codon 216 is replaced by arginine, an amino acid with highly similar properties. This amino acid position is conserved. In addition, this alteration is predicted to be tolerated by in silico analysis. Since supporting evidence is limited at this time, the clinical significance of this alteration remains unclear.